The following is an entry in ClinVar:

ClinVar aggregate classification (germline): Benign/Likely benign. Review status: criteria provided, multiple submitters, no conflicts (2 of 4 stars). 4 submissions from 4 submitters: Benign (1); Likely benign (3). Last evaluated 2025-10-14.

Conditions:
Familial adenomatous polyposis 1 (FAP1). Also called: FAMILIAL ADENOMATOUS POLYPOSIS 1, ATTENUATED; POLYPOSIS, ADENOMATOUS INTESTINAL. Identifiers: MedGen C2713442, MONDO:0021056, OMIM 175100. Disease mechanism: loss of function.
Hereditary cancer-predisposing syndrome. Also called: Neoplastic Syndromes, Hereditary; Tumor predisposition; Hereditary neoplastic syndrome; Hereditary Cancer Syndrome. Identifiers: Orphanet 140162, MedGen C0027672, MeSH D009386, MONDO:0015356.

Allele frequency attached by ClinVar (database versions not stated): gnomAD exomes below 0.00001; ExAC 0.00001.
gnomAD v4.1: 1 of 1,614,128 alleles (0.000062%); highest among the groups gnomAD compares: East Asian, 0.0022%; no homozygotes.

Submissions (4):

Ambry Genetics
Classification: Likely benign for Hereditary cancer-predisposing syndrome. Last evaluated: 2025-10-14. Review status: criteria provided, single submitter. Criteria: Ambry Variant Classification Scheme 2023. Collection method: clinical testing. Allele origin: germline.

Myriad Genetics, Inc.
Classification: Benign for Familial adenomatous polyposis 1. Last evaluated: 2024-04-01. Review status: criteria provided, single submitter. Criteria: Myriad Autosomal Dominant, Autosomal Recessive and X-Linked Classification Criteria (2023). Collection method: clinical testing. Allele origin: unknown.
Comment: This variant is considered benign. This variant is a silent/synonymous amino acid change and it is not expected to impact splicing.

Labcorp Genetics (formerly Invitae), Labcorp
Classification: Likely benign for Familial adenomatous polyposis 1. Last evaluated: 2023-05-31. Review status: criteria provided, single submitter. Criteria: Invitae Variant Classification Sherloc (09022015). Collection method: clinical testing. Allele origin: germline.

GeneDx
Classification: Likely benign. Last evaluated: 2018-05-18. Review status: criteria provided, single submitter. Criteria: GeneDx Variant Classification (06012015). Collection method: clinical testing. Allele origin: germline. Affected: yes.
Comment: This variant is considered likely benign or benign based on one or more of the following criteria: it is a conservative change, it occurs at a poorly conserved position in the protein, it is predicted to be benign by multiple in silico algorithms, and/or has population frequency not consistent with disease.

NM_000038.6(APC):c.5208A>G (p.Lys1736=)

Gene: APC (APC regulator of Wnt signaling pathway; plus strand). Cytogenetic location: 5q22.2.
Variant type: single nucleotide variant.
Coding change: c.5208A>G on transcript NM_000038.6 (MANE Select); coding-DNA position 5208, A replaced by G.
Protein change: p.Lys1736=; no amino-acid change (lysine 1736 retained).
Molecular consequence: synonymous variant.
Genome position (GRCh38, 1-based): chr5:112,840,802, A>G. VCF-style: chr5-112840802-A-G. GRCh37 (hg19) VCF-style: chr5-112176499-A-G.
Other names: c.5208A>G, p.Lys1736= (NM_001127510.3, NM_001354895.2); c.5154A>G, p.Lys1718= (NM_001127511.3); c.5262A>G, p.Lys1754= (NM_001354896.2); c.5238A>G, p.Lys1746= (NM_001354897.2); c.5133A>G, p.Lys1711= (NM_001354898.2); c.5124A>G, p.Lys1708= (NM_001354899.2); c.5085A>G, p.Lys1695= (NM_001354900.2); c.5031A>G, p.Lys1677= (NM_001354901.2); and 5 more.
Identifiers: ClinVar variation 668545 (VCV000668545.6), dbSNP rs757577924, ClinGen allele CA040955.
Genomic context (GRCh38, chr5:112,840,802, plus strand): 5'-TAAAGCAGAGGAAGGTGATATTCTTGCAGAATGCATTAATTCTGCTATGCCCAAAGGGAA[A>G]AGTCACAAGCCTTTCCGTGTGAAAAAGATAATGGACCAGGTCCAGCAAGCATCTGCGTCT-3'
Protein context (NP_000029.2, residues 1726-1746): ECINSAMPKG[Lys1736=]SHKPFRVKKI